The following is an entry in ClinVar:

ClinVar aggregate classification (germline): Uncertain significance. Review status: criteria provided, multiple submitters, no conflicts (2 of 4 stars). 2 submissions from 2 submitters: Uncertain significance (2). Last evaluated 2025-06-17.

Conditions:
Inborn genetic diseases. Identifiers: MedGen C0950123, MeSH D030342.

Allele frequency attached by ClinVar (database versions not stated): gnomAD 0.00001; gnomAD exomes 0.00001; ExAC 0.00002.
gnomAD v4.1: 9 of 1,596,750 alleles (0.00056%); highest among the groups gnomAD compares: East Asian, 0.02%; no homozygotes.

Submissions (2):

Ambry Genetics
Classification: Uncertain significance for Inborn genetic diseases. Last evaluated: 2025-06-17. Review status: criteria provided, single submitter. Criteria: Ambry Variant Classification Scheme 2023. Collection method: clinical testing. Allele origin: germline.

Labcorp Genetics (formerly Invitae), Labcorp
Classification: Uncertain significance. Last evaluated: 2022-07-31. Review status: criteria provided, single submitter. Criteria: Invitae Variant Classification Sherloc (09022015). Collection method: clinical testing. Allele origin: germline.
Comment: This sequence change replaces threonine, which is neutral and polar, with alanine, which is neutral and non-polar, at codon 329 of the IFT74 protein (p.Thr329Ala). This variant is present in population databases (rs754905959, gnomAD 0.03%). This variant has not been reported in the literature in individuals affected with IFT74-related conditions. Algorithms developed to predict the effect of missense changes on protein structure and function are either unavailable or do not agree on the potential impact of this missense change (SIFT: "Deleterious"; PolyPhen-2: "Benign"; Align-GVGD: "Class C0"). In summary, the available evidence is currently insufficient to determine the role of this variant in disease. Therefore, it has been classified as a Variant of Uncertain Significance.

NM_025103.4(IFT74):c.985A>G (p.Thr329Ala)

Gene: IFT74 (intraflagellar transport 74; plus strand). Cytogenetic location: 9p21.2.
Variant type: single nucleotide variant.
Coding change: c.985A>G on transcript NM_025103.4 (MANE Select); coding-DNA position 985, A replaced by G.
Protein change: p.Thr329Ala; replaces threonine 329 with alanine.
Molecular consequence: missense variant.
Genome position (GRCh38, 1-based): chr9:27,029,035, A>G. VCF-style: chr9-27029035-A-G. GRCh37 (hg19) VCF-style: chr9-27029033-A-G.
Other names: c.985A>G (NM_001099222.1); c.985A>G, p.Thr329Ala (NM_001099222.3, NM_001099223.3, NM_001099224.3 and 1 more transcripts); short protein forms T329A.
Identifiers: ClinVar variation 1974311 (VCV001974311.5), dbSNP rs754905959, ClinGen allele CA5015473.
Genomic context (GRCh38, chr9:27,029,035, plus strand): 5'-ATTGAATGTCTATATTTCCTTCATAAATTCATTAAAAATATTTTCAACAGGTTAACAGAT[A>G]CAAAAGAAAAGATAAATCAGTTTATTGAAGAAATTAGACAACTTGACATGGATTTAGAGG-3'
Protein context (NP_079379.2, residues 319-339): IASMERQLTD[Thr329Ala]KEKINQFIEE